The following is an entry in ClinVar:

ClinVar aggregate classification (germline): Uncertain significance. Review status: criteria provided, multiple submitters, no conflicts (2 of 4 stars). 2 submissions from 2 submitters: Uncertain significance (2). Last evaluated 2025-01-16.

Conditions:
Inborn genetic diseases. Identifiers: MedGen C0950123, MeSH D030342.

Allele frequency attached by ClinVar (database versions not stated): gnomAD exomes below 0.00001 and 0.00006; gnomAD 0.00001; TOPMed 0.00001.
gnomAD v4.1: 79 of 1,612,062 alleles (0.0049%); highest among the groups gnomAD compares: Non-Finnish European, 0.0066%; no homozygotes.

Submissions (2):

Ambry Genetics
Classification: Uncertain significance for Inborn genetic diseases. Last evaluated: 2025-01-16. Review status: criteria provided, single submitter. Criteria: Ambry Variant Classification Scheme 2023. Collection method: clinical testing. Allele origin: germline.

Labcorp Genetics (formerly Invitae), Labcorp
Classification: Uncertain significance. Last evaluated: 2024-10-23. Review status: criteria provided, single submitter. Criteria: Invitae Variant Classification Sherloc (09022015). Collection method: clinical testing. Allele origin: germline.
Comment: This sequence change replaces proline, which is neutral and non-polar, with histidine, which is basic and polar, at codon 558 of the AP3D1 protein (p.Pro558His). This variant is present in population databases (rs747487640, gnomAD 0.0009%). This variant has not been reported in the literature in individuals affected with AP3D1-related conditions. ClinVar contains an entry for this variant (Variation ID: 1484469). An algorithm developed to predict the effect of missense changes on protein structure and function (PolyPhen-2) suggests that this variant is likely to be tolerated. In summary, the available evidence is currently insufficient to determine the role of this variant in disease. Therefore, it has been classified as a Variant of Uncertain Significance.

NM_001261826.3(AP3D1):c.1673C>A (p.Pro558His)

Gene: AP3D1 (adaptor related protein complex 3 subunit delta 1; minus strand). Cytogenetic location: 19p13.3.
Variant type: single nucleotide variant.
Coding change: c.1673C>A on transcript NM_001261826.3 (MANE Select); coding-DNA position 1673, C replaced by A.
Protein change: p.Pro558His; replaces proline 558 with histidine.
Molecular consequence: missense variant.
Genome position (GRCh38, 1-based): chr19:2,118,641, G>T on the plus strand (C>A on the coding strand, the complement: AP3D1 is on the minus strand). VCF-style: chr19-2118641-G-T. GRCh37 (hg19) VCF-style: chr19-2118640-G-T.
Other names: c.1673C>A (NM_003938.5); c.1673C>A, p.Pro558His (NM_001374799.1, NM_003938.8); short protein forms P558H.
Identifiers: ClinVar variation 1484469 (VCV001484469.9), dbSNP rs747487640, ClinGen allele CA304159081.